The following is an entry in ClinVar:

ClinVar aggregate classification (germline): Uncertain significance (1 of 4 stars; one submission).

gnomAD v4.1: 1 of 1,614,210 alleles (0.000062%); highest among the groups gnomAD compares: Non-Finnish European, 0.000085%; no homozygotes.

Submission:

GeneDx
Classification: Uncertain significance. Last evaluated: 2024-08-05. Review status: criteria provided, single submitter. Criteria: GeneDx Variant Classification Process June 2021. Collection method: clinical testing. Allele origin: germline. Affected: yes.
Comment: Not observed at significant frequency in large population cohorts (gnomAD); In silico analysis supports that this missense variant has a deleterious effect on protein structure/function; Has not been previously published as pathogenic or benign to our knowledge

NM_012330.4(KAT6B):c.2662G>C (p.Gly888Arg)

Gene: KAT6B (lysine acetyltransferase 6B; plus strand). Cytogenetic location: 10q22.2.
Variant type: single nucleotide variant.
Coding change: c.2662G>C on transcript NM_012330.4 (MANE Select); coding-DNA position 2662, G replaced by C.
Protein change: p.Gly888Arg; replaces glycine 888 with arginine.
Molecular consequence: missense variant.
Genome position (GRCh38, 1-based): chr10:75,020,614, G>C. VCF-style: chr10-75020614-G-C. GRCh37 (hg19) VCF-style: chr10-76780372-G-C.
Other names: c.2113G>C, p.Gly705Arg (NM_001256468.2, NM_001370138.1); c.1786G>C, p.Gly596Arg (NM_001256469.2, NM_001370139.1, NM_001370140.1 and 2 more transcripts); c.1624G>C, p.Gly542Arg (NM_001370132.1); c.973G>C, p.Gly325Arg (NM_001370133.1); c.577G>C, p.Gly193Arg (NM_001370134.1); c.319G>C, p.Gly107Arg (NM_001370135.1); c.2662G>C, p.Gly888Arg (NM_001370136.1, NM_001370137.1); c.1597G>C, p.Gly533Arg (NM_001370143.1, NM_001370144.1); short protein forms G107R, G193R, G325R, G533R, G542R, G596R, G705R, G888R.
Identifiers: ClinVar variation 3603008 (VCV003603008.1).